The following is an entry in ClinVar:

ClinVar aggregate classification (germline): Pathogenic/Likely pathogenic. Review status: criteria provided, multiple submitters, no conflicts (2 of 4 stars). 3 submissions from 3 submitters: Pathogenic (1); Likely pathogenic (2). Last evaluated 2026-02-25.

Conditions:
Ehlers-Danlos syndrome, type 4 (EDSVASC). Also called: Ehlers-Danlos syndrome vascular type; Ehlers Danlos syndrome, ecchymotic type; Ehlers Danlos syndrome, arterial type; Ehlers Danlos syndrome, Sack-Barabas type; Ehlers-Danlos Syndrome Type IV. Identifiers: Orphanet 286, MedGen C0268338, MONDO:0017314, OMIM 130050.
Familial thoracic aortic aneurysm and aortic dissection (TAAD). Also called: Thoracic aortic aneurysms and dissections. Identifiers: Orphanet 91387, MedGen C4707243, MONDO:0019625.

Submissions (3):

Ambry Genetics
Classification: Likely pathogenic for Familial thoracic aortic aneurysm and aortic dissection. Last evaluated: 2026-02-25. Review status: criteria provided, single submitter. Criteria: Ambry Variant Classification Scheme 2023. Collection method: clinical testing. Allele origin: germline.
Comment: The p.G618V variant (also known as c.1853G>T), located in coding exon 26 of the COL3A1 gene, results from a G to T substitution at nucleotide position 1853. The glycine at codon 618 is replaced by valine, an amino acid with dissimilar properties. The majority (approximately two-thirds) of COL3A1 mutations identified to date have involved the substitution of another amino acid for glycine within the triple-helical domain (Pepin MG et al. Genet Med. 2014;16(12):881-8; Frank M et al. Eur J Hum Genet. 2015;23(12):1657-64). This variant was reported in individual(s) with features consistent with COL3A1-related Ehlers-Danlos syndrome (Frank M et al. Eur J Hum Genet, 2015 Dec;23:1657-64; Legrand A et al. Genet Med, 2019 Jul;21:1568-1575; Ambry internal data). Internal structural analysis indicates that this alteration disrupts the characteristic G-X-Y motif in the COL3A1 protein and inserts a bulky side chain into a sterically-constrained region (Bella J et al. Science. 1994;266:75-81; Hohenester E et al. Proc. Natl. Acad. Sci. U.S.A. 2008;105:18273-7; Ambry internal data). This amino acid position is highly conserved in available vertebrate species. In addition, this alteration is predicted to be deleterious by in silico analysis. This variant is considered to be rare based on population cohorts in the Genome Aggregation Database (gnomAD). Based on the majority of available evidence to date, this variant is likely to be pathogenic.

Labcorp Genetics (formerly Invitae), Labcorp
Classification: Likely pathogenic for Ehlers-Danlos syndrome, type 4. Last evaluated: 2025-02-12. Review status: criteria provided, single submitter. Criteria: Invitae Variant Classification Sherloc (09022015). Collection method: clinical testing. Allele origin: germline.
Comment: This sequence change replaces glycine, which is neutral and non-polar, with valine, which is neutral and non-polar, at codon 618 of the COL3A1 protein (p.Gly618Val). This variant is not present in population databases (gnomAD no frequency). This missense change has been observed in individual(s) with vascular Ehlers-Danlos syndrome (PMID: 25758994). ClinVar contains an entry for this variant (Variation ID: 3380960). Invitae Evidence Modeling of protein sequence and biophysical properties (such as structural, functional, and spatial information, amino acid conservation, physicochemical variation, residue mobility, and thermodynamic stability) indicates that this missense variant is expected to disrupt COL3A1 protein function with a positive predictive value of 95%. Algorithms developed to predict the effect of sequence changes on RNA splicing suggest that this variant may disrupt the consensus splice site. This variant disrupts the triple helix domain of COL3A1. Glycine residues within the Gly-Xaa-Yaa repeats of the triple helix domain are required for the structure and stability of fibrillar collagens (PMID: 7695699, 8218237, 19344236). In COL3A1, variants that affect these glycine residues are significantly enriched in individuals with disease (PMID: 24922459, 25758994) compared to the general population (ExAC). In summary, the currently available evidence indicates that the variant is pathogenic, but additional data are needed to prove that conclusively. Therefore, this variant has been classified as Likely Pathogenic.

Mayo Clinic Laboratories, Mayo Clinic
Classification: Pathogenic. Last evaluated: 2023-08-16. Review status: criteria provided, single submitter. Criteria: ACMG Guidelines, 2015. Collection method: clinical testing. Allele origin: germline. Observed: 1 variant allele.
Comment: PP2, PP3, PP4, PM1, PM2, PM6, PS4_moderate

Literature cited by the submitters: PubMed 25758994 (cited by 3 submitters); PubMed 30474650 (cited by Ambry Genetics and Mayo Clinic Laboratories, Mayo Clinic); PubMed 7695699 (cited by Labcorp Genetics (formerly Invitae), Labcorp); PubMed 8218237 (cited by Labcorp Genetics (formerly Invitae), Labcorp); PubMed 19344236 (cited by Labcorp Genetics (formerly Invitae), Labcorp); PubMed 24922459 (cited by Labcorp Genetics (formerly Invitae), Labcorp).

NM_000090.4(COL3A1):c.1853G>T (p.Gly618Val)

Gene: COL3A1 (collagen type III alpha 1 chain; plus strand). Cytogenetic location: 2q32.2.
Variant type: single nucleotide variant.
Coding change: c.1853G>T on transcript NM_000090.4 (MANE Select); coding-DNA position 1853, G replaced by T.
Protein change: p.Gly618Val; replaces glycine 618 with valine.
Molecular consequence: missense variant.
Genome position (GRCh38, 1-based): chr2:188,997,373, G>T. VCF-style: chr2-188997373-G-T. GRCh37 (hg19) VCF-style: chr2-189862099-G-T.
Other names: p.Gly618Val; short protein forms G618V.
Identifiers: ClinVar variation 3380960 (VCV003380960.3).
Genomic context (GRCh38, chr2:188,997,373, plus strand): 5'-TCCCTAACTGTTCTTGTTTTTAGGGTCCTCCTGGAAAGAATGGTGAAACTGGACCTCAGG[G>T]ACCCCCAGGGCCTACTGTAAGTTCACTCATATAAAATTGGAGATGAAAATAGGGTGGAGG-3'
Protein context (NP_000081.2, residues 608-628): PGKNGETGPQ[Gly618Val]PPGPTGPGGD